The following is an entry in ClinVar:

NM_030632.3(ASXL3):c.2947G>A (p.Glu983Lys)

Gene: ASXL3 (ASXL transcriptional regulator 3; plus strand). Cytogenetic location: 18q12.1.
Variant type: single nucleotide variant.
Coding change: c.2947G>A on transcript NM_030632.3 (MANE Select); coding-DNA position 2947, G replaced by A.
Protein change: p.Glu983Lys; replaces glutamic acid 983 with lysine.
Molecular consequence: missense variant.
Genome position (GRCh38, 1-based): chr18:33,740,351, G>A. VCF-style: chr18-33740351-G-A. GRCh37 (hg19) VCF-style: chr18-31320315-G-A.
Other names: short protein forms E983K.
Identifiers: ClinVar variation 3773902 (VCV003773902.1).

ClinVar aggregate classification (germline): Uncertain significance (1 of 4 stars; one submission).

Submission:

GeneDx
Classification: Uncertain significance. Last evaluated: 2024-09-24. Review status: criteria provided, single submitter. Criteria: GeneDx Variant Classification Process June 2021. Collection method: clinical testing. Allele origin: germline. Affected: yes.
Comment: Not observed at significant frequency in large population cohorts (gnomAD); In silico analysis indicates that this missense variant does not alter protein structure/function; Has not been previously published as pathogenic or benign to our knowledge